The following is an entry in ClinVar:

ClinVar aggregate classification (germline): Pathogenic/Likely pathogenic. Review status: criteria provided, multiple submitters, no conflicts (2 of 4 stars). 2 submissions from 2 submitters: Pathogenic (1); Likely pathogenic (1). Last evaluated 2023-10-17.

Conditions:
Peroxisome biogenesis disorder 6A (Zellweger). Also called: Peroxisome biogenesis disorder 6A. Identifiers: Orphanet 912, MedGen C3553947, MONDO:0013936, OMIM 614870.
Peroxisome biogenesis disorder, complementation group 7 (CG7). Also called: Peroxisome biogenesis disorder, complementation group B. Identifiers: MedGen C1864399.

Submissions (2):

Labcorp Genetics (formerly Invitae), Labcorp
Classification: Pathogenic for Peroxisome biogenesis disorder, complementation group 7. Last evaluated: 2023-10-17. Review status: criteria provided, single submitter. Criteria: Invitae Variant Classification Sherloc (09022015). Collection method: clinical testing. Allele origin: germline.
Comment: This sequence change creates a premature translational stop signal (p.Cys321*) in the PEX10 gene. While this is not anticipated to result in nonsense mediated decay, it is expected to disrupt the last 26 amino acid(s) of the PEX10 protein. This variant is not present in population databases (gnomAD no frequency). This variant has not been reported in the literature in individuals affected with PEX10-related conditions. Algorithms developed to predict the effect of sequence changes on RNA splicing suggest that this variant may create or strengthen a splice site. This variant disrupts a region of the PEX10 protein in which other variant(s) (p.Arg331Gln) have been determined to be pathogenic (PMID: 20695019, 27230853). This suggests that this is a clinically significant region of the protein, and that variants that disrupt it are likely to be disease-causing. For these reasons, this variant has been classified as Pathogenic.

Kariminejad - Najmabadi Pathology & Genetics Center
Classification: Likely pathogenic for Peroxisome biogenesis disorder 6A (Zellweger). Review status: criteria provided, single submitter. Criteria: ACMG Guidelines, 2015. Collection method: clinical testing. Allele origin: germline. Affected: no.

Literature cited by the submitters: PubMed 20695019 (cited by Labcorp Genetics (formerly Invitae), Labcorp); PubMed 27230853 (cited by Labcorp Genetics (formerly Invitae), Labcorp).

NM_002617.4(PEX10):c.903del (p.Trp300_Cys301insTer)

Gene: PEX10 (peroxisomal biogenesis factor 10; minus strand). Cytogenetic location: 1p36.32.
Variant type: Deletion.
Coding change: c.903del on transcript NM_002617.4 (MANE Select); coding-DNA position 903, one base deleted (C; older notation c.903delC).
Protein change: p.Trp300_Cys301insTer.
Molecular consequence: nonsense. On other transcripts: non-coding transcript variant (1).
Genome position (GRCh38, 1-based): chr1:2,406,493, G deleted on the plus strand (C on the coding strand, the reverse complement: PEX10 is on the minus strand). VCF-style (leftmost placement, unchanged base first): chr1-2406492-TG-T. GRCh37 (hg19) VCF-style: chr1-2337931-TG-T.
Other names: c.960del, p.Trp319_Cys320insTer (NM_001374425.1); c.528del, p.Trp175_Cys176insTer (NM_001374426.1); c.471del, p.Trp156_Cys157insTer (NM_001374427.1); c.963del, p.Trp320_Cys321insTer (NM_153818.2).
Identifiers: ClinVar variation 2769407 (VCV002769407.4), dbSNP rs2522256235, ClinGen allele CA2697552027.